The following is an entry in ClinVar:

NM_004385.5(VCAN):c.3554T>C (p.Phe1185Ser)

Gene: VCAN (versican; plus strand). Cytogenetic location: 5q14.3.
Variant type: single nucleotide variant.
Coding change: c.3554T>C on transcript NM_004385.5 (MANE Select); coding-DNA position 3554, T replaced by C.
Protein change: p.Phe1185Ser; replaces phenylalanine 1185 with serine.
Molecular consequence: missense variant. On other transcripts: intron variant (2).
Genome position (GRCh38, 1-based): chr5:83,521,860, T>C. VCF-style: chr5-83521860-T-C. GRCh37 (hg19) VCF-style: chr5-82817679-T-C.
Other names: c.3554T>C, p.Phe1185Ser (NM_001164098.2); c.1042+9464T>C (NM_001164097.2, NM_001126336.3); short protein forms F1185S.
Identifiers: ClinVar variation 963176 (VCV000963176.9), dbSNP rs1746117971, ClinGen allele CA360306312.

ClinVar aggregate classification (germline): Uncertain significance (1 of 4 stars; one submission).

Allele frequency attached by ClinVar (database versions not stated): gnomAD exomes below 0.00001; TOPMed below 0.00001.
gnomAD v4.1: 1 of 1,614,134 alleles (0.000062%); highest among the groups gnomAD compares: Non-Finnish European, 0.000085%; no homozygotes.

Submission:

Labcorp Genetics (formerly Invitae), Labcorp
Classification: Uncertain significance. Last evaluated: 2022-10-13. Review status: criteria provided, single submitter. Criteria: Invitae Variant Classification Sherloc (09022015). Collection method: clinical testing. Allele origin: germline.
Comment: This sequence change replaces phenylalanine, which is neutral and non-polar, with serine, which is neutral and polar, at codon 1185 of the VCAN protein (p.Phe1185Ser). This variant is not present in population databases (gnomAD no frequency). This variant has not been reported in the literature in individuals affected with VCAN-related conditions. ClinVar contains an entry for this variant (Variation ID: 963176). Algorithms developed to predict the effect of missense changes on protein structure and function (SIFT, PolyPhen-2, Align-GVGD) all suggest that this variant is likely to be disruptive. In summary, the available evidence is currently insufficient to determine the role of this variant in disease. Therefore, it has been classified as a Variant of Uncertain Significance.